The following is an entry in ClinVar:

NM_001257180.2(SLC20A2):c.644T>C (p.Ile215Thr)

Gene: SLC20A2 (solute carrier family 20 member 2; minus strand). Cytogenetic location: 8p11.21.
Variant type: single nucleotide variant.
Coding change: c.644T>C on transcript NM_001257180.2 (MANE Select); coding-DNA position 644, T replaced by C.
Protein change: p.Ile215Thr; replaces isoleucine 215 with threonine.
Molecular consequence: missense variant.
Genome position (GRCh38, 1-based): chr8:42,444,732, A>G on the plus strand (T>C on the coding strand, the complement: SLC20A2 is on the minus strand). VCF-style: chr8-42444732-A-G. GRCh37 (hg19) VCF-style: chr8-42302250-A-G.
Other names: c.644T>C, p.Ile215Thr (NM_001257181.2, NM_006749.5); short protein forms I215T.
Identifiers: ClinVar variation 2084416 (VCV002084416.4), dbSNP rs2487298157, ClinGen allele CA371082254.

ClinVar aggregate classification (germline): Uncertain significance (1 of 4 stars; one submission).

Submission:

Labcorp Genetics (formerly Invitae), Labcorp
Classification: Uncertain significance. Last evaluated: 2026-01-12. Review status: criteria provided, single submitter. Criteria: Invitae Variant Classification Sherloc (09022015). Collection method: clinical testing. Allele origin: germline.
Comment: This sequence change replaces isoleucine, which is neutral and non-polar, with threonine, which is neutral and polar, at codon 215 of the SLC20A2 protein (p.Ile215Thr). This variant is not present in population databases (gnomAD no frequency). This variant has not been reported in the literature in individuals affected with SLC20A2-related conditions. ClinVar contains an entry for this variant (Variation ID: 2084416). Invitae Evidence Modeling of protein sequence and biophysical properties (such as structural, functional, and spatial information, amino acid conservation, physicochemical variation, residue mobility, and thermodynamic stability) indicates that this missense variant is not expected to disrupt SLC20A2 protein function with a negative predictive value of 95%. In summary, the available evidence is currently insufficient to determine the role of this variant in disease. Therefore, it has been classified as a Variant of Uncertain Significance.